The following is an entry in ClinVar:

ClinVar aggregate classification (germline): Conflicting classifications of pathogenicity. Review status: criteria provided, conflicting classifications (1 of 4 stars). 4 submissions from 4 submitters: Uncertain significance (3); Benign (1). Last evaluated 2026-01-04.

Conditions:
FBN2-related disorder. Also called: FBN2-related condition.
Congenital contractural arachnodactyly (CCA). Also called: BEALS SYNDROME; Beals-Hecht syndrome; Arthrogryposis, distal, type 9. Identifiers: Orphanet 115, MedGen C0220668, MONDO:0007363, OMIM 121050.
Familial thoracic aortic aneurysm and aortic dissection (TAAD). Also called: Thoracic aortic aneurysms and dissections. Identifiers: Orphanet 91387, MedGen C4707243, MONDO:0019625.

Allele frequency attached by ClinVar (database versions not stated): ExAC 0.00002; gnomAD exomes 0.00002 and 0.00003; TOPMed 0.00002; gnomAD 0.00004; 1000 Genomes Project 30x 0.00016; 1000 Genomes Project 0.00020.
gnomAD v4.1: 49 of 1,614,120 alleles (0.003%); highest among the groups gnomAD compares: Non-Finnish European, 0.0038%; no homozygotes.

Submissions (4):

Labcorp Genetics (formerly Invitae), Labcorp
Classification: Benign for Congenital contractural arachnodactyly. Last evaluated: 2026-01-04. Review status: criteria provided, single submitter. Criteria: Invitae Variant Classification Sherloc (09022015). Collection method: clinical testing. Allele origin: germline.

PreventionGenetics, part of Exact Sciences
Classification: Uncertain significance for FBN2-related condition. Last evaluated: 2025-04-08. Review status: criteria provided, single submitter. Criteria: ACMG Guidelines, 2015. Collection method: clinical testing. Allele origin: germline.
Comment: The FBN2 c.1103C>T variant is predicted to result in the amino acid substitution p.Ser368Leu. To our knowledge, this variant has not been reported in the literature. This variant is reported in 0.0033% of alleles in individuals of South Asian descent in gnomAD. At this time, the clinical significance of this variant is uncertain due to the absence of conclusive functional and genetic evidence.

Ambry Genetics
Classification: Uncertain significance for Familial thoracic aortic aneurysm and aortic dissection. Last evaluated: 2025-03-06. Review status: criteria provided, single submitter. Criteria: Ambry Variant Classification Scheme 2023. Collection method: clinical testing. Allele origin: germline.
Comment: The p.S368L variant (also known as c.1103C>T), located in coding exon 9 of the FBN2 gene, results from a C to T substitution at nucleotide position 1103. The serine at codon 368 is replaced by leucine, an amino acid with dissimilar properties. This amino acid position is highly conserved in available vertebrate species. In addition, this alteration is predicted to be deleterious by in silico analysis. Based on the available evidence, the clinical significance of this variant remains unclear.

GeneDx
Classification: Uncertain significance. Last evaluated: 2019-10-18. Review status: criteria provided, single submitter. Criteria: GeneDx Variant Classification Process June 2021. Collection method: clinical testing. Allele origin: germline. Affected: yes.
Comment: Has not been previously published as pathogenic or benign to our knowledge; Not observed at a significant frequency in large population cohorts (Lek et al., 2016); In silico analysis, which includes protein predictors and evolutionary conservation, supports a deleterious effect; Does not affect a cysteine residue within a calcium-binding EGF-like domain of the FBN2 gene; cysteine substitutions in the calcium-binding EGF-like domains represent the majority of pathogenic missense changes associated with FBN2-related disorders (Frederic et al., 2009)

NM_001999.4(FBN2):c.1103C>T (p.Ser368Leu)

Gene: FBN2 (fibrillin 2; minus strand). Cytogenetic location: 5q23.3.
Variant type: single nucleotide variant.
Coding change: c.1103C>T on transcript NM_001999.4 (MANE Select); coding-DNA position 1103, C replaced by T.
Protein change: p.Ser368Leu; replaces serine 368 with leucine.
Molecular consequence: missense variant.
Genome position (GRCh38, 1-based): chr5:128,395,250, G>A on the plus strand (C>T on the coding strand, the complement: FBN2 is on the minus strand). VCF-style: chr5-128395250-G-A. GRCh37 (hg19) VCF-style: chr5-127730943-G-A.
Other names: short protein forms S368L.
Identifiers: ClinVar variation 429398 (VCV000429398.15), dbSNP rs562268545, ClinGen allele CA3395883.